The following is an entry in ClinVar:

NM_000789.4(ACE):c.1979C>G (p.Ser660Cys)

Gene: ACE (angiotensin I converting enzyme; plus strand). Cytogenetic location: 17q23.3.
Variant type: single nucleotide variant.
Coding change: c.1979C>G on transcript NM_000789.4 (MANE Select); coding-DNA position 1979, C replaced by G.
Protein change: p.Ser660Cys; replaces serine 660 with cysteine.
Molecular consequence: missense variant.
Genome position (GRCh38, 1-based): chr17:63,485,293, C>G. VCF-style: chr17-63485293-C-G. GRCh37 (hg19) VCF-style: chr17-61562654-C-G.
Other names: c.257C>G, p.Ser86Cys (NM_001178057.2, NM_152830.3); short protein forms S660C, S86C.
Identifiers: ClinVar variation 891102 (VCV000891102.16), dbSNP rs147429960, ClinGen allele CA8699847.

ClinVar aggregate classification (germline): Conflicting classifications of pathogenicity. Review status: criteria provided, conflicting classifications (1 of 4 stars). 5 submissions from 5 submitters: Uncertain significance (3); Likely benign (1). 1 of the submissions does not count toward it. Last evaluated 2025-11-21.

Conditions:
ACE-related disorder. Also called: ACE-related condition; ACE-related disorders.
Renal tubular dysgenesis of genetic origin. Also called: PRIMITIVE RENAL TUBULE SYNDROME. Identifiers: Orphanet 97369, MedGen C5681536, MONDO:0009970, OMIM 267430.
Renal tubular dysgenesis. Also called: Renotubular dysgenesis. Identifiers: Orphanet 3033, MedGen C0266313, MONDO:0017609, HP:0008660.

Allele frequency attached by ClinVar (database versions not stated): ExAC 0.00096; gnomAD exomes 0.00151 and 0.00093; TOPMed 0.00095; gnomAD 0.00089 and 0.00098; ESP Exome Variant Server 0.00154.
gnomAD v4.1: 2,326 of 1,614,064 alleles (0.14%); highest among the groups gnomAD compares: Non-Finnish European, 0.18%; 1 homozygote.

Submissions (5):

Labcorp Genetics (formerly Invitae), Labcorp
Classification: Likely benign. Last evaluated: 2025-11-21. Review status: criteria provided, single submitter. Criteria: Invitae Variant Classification Sherloc (09022015). Collection method: clinical testing. Allele origin: germline.

Department of Pathology and Laboratory Medicine, Sinai Health System
Classification: Uncertain significance for renal tubular dysgenesis of genetic origin. Last evaluated: 2022-01-06. Review status: criteria provided, single submitter. Criteria: ACMG Guidelines, 2015. Collection method: research. Allele origin: germline.

Revvity Omics, Revvity
Classification: Uncertain significance. Last evaluated: 2019-10-25. Review status: criteria provided, single submitter. Criteria: ACMG Guidelines, 2015. Collection method: clinical testing. Allele origin: germline.

Illumina Laboratory Services, Illumina
Classification: Uncertain significance for Renal tubular dysgenesis of genetic origin. Last evaluated: 2018-01-13. Review status: criteria provided, single submitter. Criteria: ICSL Variant Classification Criteria 13 December 2019. Collection method: clinical testing. Allele origin: germline.

PreventionGenetics, part of Exact Sciences
Classification: Likely benign for ACE-related condition. Last evaluated: 2024-03-11. Review status: no assertion criteria provided. Collection method: clinical testing. Allele origin: germline. Not counted in ClinVar's aggregate classification.
Comment: This variant is classified as likely benign based on ACMG/AMP sequence variant interpretation guidelines (Richards et al. 2015 PMID: 25741868, with internal and published modifications).